The following is an entry in ClinVar:

NM_000075.4(CDK4):c.879T>C (p.Ser293=)

Genes: CDK4 (cyclin dependent kinase 4; minus strand), TSPAN31 (tetraspanin 31; plus strand). Cytogenetic location: 12q14.1.
Variant type: single nucleotide variant.
Coding change: c.879T>C on transcript NM_000075.4 (MANE Select); coding-DNA position 879, T replaced by C.
Protein change: p.Ser293=; no amino-acid change (serine 293 retained).
Molecular consequence: synonymous variant. On other transcripts: 3 prime UTR variant (3).
Genome position (GRCh38, 1-based): chr12:57,748,558, A>G on the plus strand (T>C on the coding strand, the complement: CDK4 is on the minus strand). VCF-style: chr12-57748558-A-G. GRCh37 (hg19) VCF-style: chr12-58142341-A-G.
Other names: c.*1268A>G (NM_001330168.2, NM_001330169.2, NM_005981.5); c.879T>C (NM_000075.3).
Identifiers: ClinVar variation 3378470 (VCV003378470.2).
Genomic context (GRCh38, chr12:57,748,558, plus strand): 5'-TTCCTTCCATGGCAGCCACTCCATTGCTCACTCCGGATTACCTTCATCCTTATGTAGATA[A>G]GAGTGCTGCAGAGCTCGAAAGGCAGAGATTCGCTTGTGTGGGTTAAAAGTCAGCATTTCC-3'
Protein context (NP_000066.1, residues 283-303): RISAFRALQH[Ser293=]YLHKDEGNPE

ClinVar aggregate classification (germline): Benign/Likely benign. Review status: criteria provided, multiple submitters, no conflicts (2 of 4 stars). 2 submissions from 2 submitters: Benign (1); Likely benign (1). Last evaluated 2025-12-22.

Conditions:
Melanoma, cutaneous malignant, susceptibility to, 3. Also called: Cutaneous malignant melanoma 3. Identifiers: Orphanet 618, MedGen C1836892, MONDO:0012183, OMIM 609048.
Hereditary cancer-predisposing syndrome. Also called: Hereditary neoplastic syndrome; Tumor predisposition; Neoplastic Syndromes, Hereditary; Hereditary Cancer Syndrome. Identifiers: Orphanet 140162, MedGen C0027672, MeSH D009386, MONDO:0015356.

gnomAD v4.1: 2 of 1,613,734 alleles (0.00012%); highest among the groups gnomAD compares: East Asian, 0.0022%; no homozygotes.

Submissions (2):

Ambry Genetics
Classification: Likely benign for Hereditary cancer-predisposing syndrome. Last evaluated: 2025-12-22. Review status: criteria provided, single submitter. Criteria: Ambry Variant Classification Scheme 2023. Collection method: clinical testing. Allele origin: germline.

Myriad Genetics, Inc.
Classification: Benign for Melanoma, cutaneous malignant, susceptibility to, 3. Last evaluated: 2024-09-27. Review status: criteria provided, single submitter. Criteria: Myriad Autosomal Dominant, Autosomal Recessive and X-Linked Classification Criteria (2023). Collection method: clinical testing. Allele origin: unknown.
Comment: This variant is considered benign. This variant is a silent/synonymous amino acid change and it is not expected to impact splicing.